The following is an entry in ClinVar:

NM_177438.3(DICER1):c.2765T>A (p.Phe922Tyr)

Gene: DICER1 (dicer 1, ribonuclease III; minus strand). Cytogenetic location: 14q32.13.
Variant type: single nucleotide variant.
Coding change: c.2765T>A on transcript NM_177438.3 (MANE Select); coding-DNA position 2765, T replaced by A.
Protein change: p.Phe922Tyr; replaces phenylalanine 922 with tyrosine.
Molecular consequence: missense variant.
Genome position (GRCh38, 1-based): chr14:95,107,647, A>T on the plus strand (T>A on the coding strand, the complement: DICER1 is on the minus strand). VCF-style: chr14-95107647-A-T. GRCh37 (hg19) VCF-style: chr14-95573984-A-T.
Other names: c.2765T>A, p.Phe922Tyr (NM_030621.4, NM_001195573.1, NM_001271282.3 and 1 more transcripts); short protein forms F922Y.
Identifiers: ClinVar variation 821778 (VCV000821778.14), dbSNP rs1595378865, ClinGen allele CA390879490.

ClinVar aggregate classification (germline): Uncertain significance. Review status: criteria provided, multiple submitters, no conflicts (2 of 4 stars). 2 submissions from 2 submitters: Uncertain significance (2). Last evaluated 2024-07-21.

Conditions:
Hereditary cancer-predisposing syndrome. Also called: Hereditary Cancer Syndrome; Neoplastic Syndromes, Hereditary; Hereditary neoplastic syndrome; Tumor predisposition. Identifiers: Orphanet 140162, MedGen C0027672, MeSH D009386, MONDO:0015356.
DICER1-related tumor predisposition. Also called: DICER1-related pleuropulmonary blastoma cancer predisposition syndrome; DICER1 syndrome. Identifiers: Orphanet 284343, MedGen C3839822, MONDO:0100216.

Allele frequency attached by ClinVar (database versions not stated): gnomAD exomes below 0.00001; gnomAD 0.00001.
gnomAD v4.1: 2 of 1,613,896 alleles (0.00012%); highest among the groups gnomAD compares: African/African-American, 0.0027%; no homozygotes.

Submissions (2):

Labcorp Genetics (formerly Invitae), Labcorp
Classification: Uncertain significance for DICER1-related tumor predisposition. Last evaluated: 2024-07-21. Review status: criteria provided, single submitter. Criteria: Invitae Variant Classification Sherloc (09022015). Collection method: clinical testing. Allele origin: germline.
Comment: This sequence change replaces phenylalanine, which is neutral and non-polar, with tyrosine, which is neutral and polar, at codon 922 of the DICER1 protein (p.Phe922Tyr). This variant is not present in population databases (gnomAD no frequency). This variant has not been reported in the literature in individuals affected with DICER1-related conditions. ClinVar contains an entry for this variant (Variation ID: 821778). Advanced modeling of protein sequence and biophysical properties (such as structural, functional, and spatial information, amino acid conservation, physicochemical variation, residue mobility, and thermodynamic stability) has been performed at Invitae for this missense variant, however the output from this modeling did not meet the statistical confidence thresholds required to predict the impact of this variant on DICER1 protein function. In summary, the available evidence is currently insufficient to determine the role of this variant in disease. Therefore, it has been classified as a Variant of Uncertain Significance.

Ambry Genetics
Classification: Uncertain significance for Hereditary cancer-predisposing syndrome. Last evaluated: 2024-07-11. Review status: criteria provided, single submitter. Criteria: Ambry Variant Classification Scheme 2023. Collection method: clinical testing. Allele origin: germline.
Comment: The p.F922Y variant (also known as c.2765T>A), located in coding exon 16 of the DICER1 gene, results from a T to A substitution at nucleotide position 2765. The phenylalanine at codon 922 is replaced by tyrosine, an amino acid with highly similar properties. This amino acid position is highly conserved in available vertebrate species. In addition, the in silico prediction for this alteration is inconclusive. Based on the available evidence, the clinical significance of this variant remains unclear.